The following is an entry in ClinVar:

NM_001384140.1(PCDH15):c.3600T>G (p.Tyr1200Ter)

Gene: PCDH15 (protocadherin related 15; minus strand). Cytogenetic location: 10q21.1.
Variant type: single nucleotide variant.
Coding change: c.3600T>G on transcript NM_001384140.1 (MANE Select); coding-DNA position 3600, T replaced by G.
Protein change: p.Tyr1200Ter; replaces tyrosine 1200 with a stop codon.
Molecular consequence: nonsense.
Genome position (GRCh38, 1-based): chr10:53,866,759, A>C on the plus strand (T>G on the coding strand, the complement: PCDH15 is on the minus strand). VCF-style: chr10-53866759-A-C. GRCh37 (hg19) VCF-style: chr10-55626519-A-C.
Other names: c.3615T>G, p.Tyr1205Ter (NM_001142763.2, NM_001142771.2); c.3600T>G, p.Tyr1200Ter (NM_001142764.2, NM_001142766.2, NM_001142770.3 and 4 more transcripts); c.3387T>G, p.Tyr1129Ter (NM_001142765.2); c.3489T>G, p.Tyr1163Ter (NM_001142767.2); c.3534T>G, p.Tyr1178Ter (NM_001142768.2, NM_001142773.2, NM_001354404.2); c.3636T>G, p.Tyr1212Ter (NM_001142769.4); c.3621T>G, p.Tyr1207Ter (NM_001354411.2); short protein forms Y1129*, Y1163*, Y1178*, Y1200*, Y1205*, Y1207*, Y1212*.
Identifiers: ClinVar variation 1073349 (VCV001073349.7), dbSNP rs768989856, ClinGen allele CA376517231.

ClinVar aggregate classification (germline): Pathogenic (1 of 4 stars; one submission).

Submission:

Labcorp Genetics (formerly Invitae), Labcorp
Classification: Pathogenic. Last evaluated: 2020-01-13. Review status: criteria provided, single submitter. Criteria: Invitae Variant Classification Sherloc (09022015). Collection method: clinical testing. Allele origin: germline.
Comment: This variant is not present in population databases (ExAC no frequency). This sequence change creates a premature translational stop signal (p.Tyr1200*) in the PCDH15 gene. It is expected to result in an absent or disrupted protein product. For these reasons, this variant has been classified as Pathogenic. Loss-of-function variants in PCDH15 are known to be pathogenic (PMID: 11398101, 11487575, 14570705). This variant has not been reported in the literature in individuals with PCDH15-related conditions.

Literature cited by the submitters: PubMed 11398101; PubMed 11487575; PubMed 14570705.